The following is an entry in ClinVar:

NM_031935.3(HMCN1):c.4850C>T (p.Thr1617Met)

Gene: HMCN1 (hemicentin 1; plus strand). Cytogenetic location: 1q31.1.
Variant type: single nucleotide variant.
Coding change: c.4850C>T on transcript NM_031935.3 (MANE Select); coding-DNA position 4850, C replaced by T.
Protein change: p.Thr1617Met; replaces threonine 1617 with methionine.
Molecular consequence: missense variant.
Genome position (GRCh38, 1-based): chr1:186,015,378, C>T. VCF-style: chr1-186015378-C-T. GRCh37 (hg19) VCF-style: chr1-185984510-C-T.
Other names: c.4850C>T (NM_031935.2); short protein forms T1617M.
Identifiers: ClinVar variation 1345690 (VCV001345690.9), dbSNP rs757566490, ClinGen allele CA1292113.

ClinVar aggregate classification (germline): Conflicting classifications of pathogenicity. Review status: criteria provided, conflicting classifications (1 of 4 stars). 3 submissions from 3 submitters: Uncertain significance (2); Likely benign (1). Last evaluated 2025-02-02.

Allele frequency attached by ClinVar (database versions not stated): gnomAD exomes 0.00002 and 0.00006; ExAC 0.00005; gnomAD 0.00009 and 0.00008.
gnomAD v4.1: 46 of 1,613,474 alleles (0.0029%); highest among the groups gnomAD compares: Admixed American, 0.038%; no homozygotes.

Submissions (3):

Labcorp Genetics (formerly Invitae), Labcorp
Classification: Uncertain significance. Last evaluated: 2025-02-02. Review status: criteria provided, single submitter. Criteria: Invitae Variant Classification Sherloc (09022015). Collection method: clinical testing. Allele origin: germline.
Comment: This sequence change replaces threonine, which is neutral and polar, with methionine, which is neutral and non-polar, at codon 1617 of the HMCN1 protein (p.Thr1617Met). This variant is present in population databases (rs757566490, gnomAD 0.02%). This variant has not been reported in the literature in individuals affected with HMCN1-related conditions. ClinVar contains an entry for this variant (Variation ID: 1345690). An algorithm developed to predict the effect of missense changes on protein structure and function outputs the following: PolyPhen-2: "Benign". The methionine amino acid residue is found in multiple mammalian species, which suggests that this missense change does not adversely affect protein function. In summary, the available evidence is currently insufficient to determine the role of this variant in disease. Therefore, it has been classified as a Variant of Uncertain Significance.

Dasa
Classification: Uncertain significance. Last evaluated: 2025-01-17. Review status: criteria provided, single submitter. Criteria: DASA Assertion Criteria. Collection method: clinical testing. Allele origin: germline.
Comment: NM_031935.3(HMCN1):c.4850C>T (p.Thr1617Met) is a missense variant that results in the substitution of threonine with methionine. This variant is rare in population databases. Computational prediction algorithms are consistent with a benign effect. The currently available literature and clinical evidence are not sufficient to establish a definitive association between this variant and the reported condition. Therefore, this variant is classified as a variant of uncertain significance.

Ambry Genetics
Classification: Likely benign. Last evaluated: 2023-01-25. Review status: criteria provided, single submitter. Criteria: Ambry Variant Classification Scheme 2023. Collection method: clinical testing. Allele origin: germline.